The following is an entry in ClinVar:

NM_006302.3(MOGS):c.671A>C (p.Lys224Thr)

Gene: MOGS (mannosyl-oligosaccharide glucosidase; minus strand). Cytogenetic location: 2p13.1.
Variant type: single nucleotide variant.
Coding change: c.671A>C on transcript NM_006302.3 (MANE Select); coding-DNA position 671, A replaced by C.
Protein change: p.Lys224Thr; replaces lysine 224 with threonine.
Molecular consequence: missense variant.
Genome position (GRCh38, 1-based): chr2:74,463,295, T>G on the plus strand (A>C on the coding strand, the complement: MOGS is on the minus strand). VCF-style: chr2-74463295-T-G. GRCh37 (hg19) VCF-style: chr2-74690422-T-G.
Other names: c.353A>C, p.Lys118Thr (NM_001146158.2); short protein forms K118T, K224T.
Identifiers: ClinVar variation 1020260 (VCV001020260.9), dbSNP rs1671981391, ClinGen allele CA347379914.

ClinVar aggregate classification (germline): Uncertain significance (1 of 4 stars; one submission).

Conditions:
MOGS-congenital disorder of glycosylation. Also called: GLUCOSIDASE I DEFICIENCY; MOGS-CDG; CDG IIb; CDG 2B. Identifiers: Orphanet 79330, MedGen C1853736, MONDO:0011629, OMIM 606056.

Submission:

Labcorp Genetics (formerly Invitae), Labcorp
Classification: Uncertain significance for MOGS-congenital disorder of glycosylation. Last evaluated: 2020-10-07. Review status: criteria provided, single submitter. Criteria: Invitae Variant Classification Sherloc (09022015). Collection method: clinical testing. Allele origin: germline.
Comment: Algorithms developed to predict the effect of missense changes on protein structure and function are either unavailable or do not agree on the potential impact of this missense change (SIFT: "Deleterious"; PolyPhen-2: "Benign"; Align-GVGD: "Class C0"). This variant has not been reported in the literature in individuals with MOGS-related conditions. This variant is not present in population databases (ExAC no frequency). This sequence change replaces lysine with threonine at codon 224 of the MOGS protein (p.Lys224Thr). The lysine residue is moderately conserved and there is a moderate physicochemical difference between lysine and threonine. In summary, the available evidence is currently insufficient to determine the role of this variant in disease. Therefore, it has been classified as a Variant of Uncertain Significance.